The following is an entry in ClinVar:

NM_001258419.2(LRRC4C):c.8A>C (p.Asn3Thr)

Gene: LRRC4C (leucine rich repeat containing 4C; minus strand). Cytogenetic location: 11p12.
Variant type: single nucleotide variant.
Coding change: c.8A>C on transcript NM_001258419.2 (MANE Select); coding-DNA position 8, A replaced by C.
Protein change: p.Asn3Thr; replaces asparagine 3 with threonine.
Molecular consequence: missense variant. On other transcripts: non-coding transcript variant (2).
Genome position (GRCh38, 1-based): chr11:40,116,285, T>G on the plus strand (A>C on the coding strand, the complement: LRRC4C is on the minus strand). VCF-style: chr11-40116285-T-G. GRCh37 (hg19) VCF-style: chr11-40137835-T-G.
Other names: c.8A>C, p.Asn3Thr (NM_020929.3); short protein forms N3T.
Identifiers: ClinVar variation 3050767 (VCV003050767.2), dbSNP rs144974170, ClinGen allele CA5951103.
Genomic context (GRCh38, chr11:40,116,285, plus strand): 5'-AATAGGGCCCTGTTAAACCTAGGACCTATCATTATCTGCTGTGGATGTAAGGTCATCTTG[T>G]TCAACATTCATAATTTATCTGGTGTTGGTCCTTCTGGAATTCAAACAGTCTGCAAAATAC-3'
Protein context (NP_001245348.1, residues 1-13): ML[Asn3Thr]KMTLHPQQIM

ClinVar aggregate classification (germline): Likely benign (0 of 4 stars; one submission).

Conditions:
LRRC4C-related disorder. Also called: LRRC4C-related condition.

Allele frequency attached by ClinVar (database versions not stated): 1000 Genomes Project 30x 0.00187; 1000 Genomes Project 0.00200; gnomAD 0.00235; ESP Exome Variant Server 0.00238; ExAC 0.00260; TOPMed 0.00273; gnomAD exomes 0.00338.
gnomAD v4.1: 5,276 of 1,588,006 alleles (0.33%); highest among the groups gnomAD compares: Middle Eastern, 0.72%; 21 homozygotes.

Submission:

PreventionGenetics, part of Exact Sciences
Classification: Likely benign for LRRC4C-related condition. Last evaluated: 2022-12-28. Review status: no assertion criteria provided. Collection method: clinical testing. Allele origin: germline.
Comment: This variant is classified as likely benign based on ACMG/AMP sequence variant interpretation guidelines (Richards et al. 2015 PMID: 25741868, with internal and published modifications).